The following is an entry in ClinVar:

NM_182643.3(DLC1):c.4516G>A (p.Ala1506Thr)

Gene: DLC1 (DLC1 Rho GTPase activating protein; minus strand). Cytogenetic location: 8p22.
Variant type: single nucleotide variant.
Coding change: c.4516G>A on transcript NM_182643.3 (MANE Select); coding-DNA position 4516, G replaced by A.
Protein change: p.Ala1506Thr; replaces alanine 1506 with threonine.
Molecular consequence: missense variant. On other transcripts: intron variant (1).
Genome position (GRCh38, 1-based): chr8:13,085,882, C>T on the plus strand (G>A on the coding strand, the complement: DLC1 is on the minus strand). VCF-style: chr8-13085882-C-T. GRCh37 (hg19) VCF-style: chr8-12943391-C-T.
Other names: c.2983G>A, p.Ala995Thr (NM_001164271.2, NM_001348082.2, NM_001348083.1 and 6 more transcripts); c.3307G>A, p.Ala1103Thr (NM_001316668.2); c.4516G>A, p.Ala1506Thr (NM_001348081.2, NM_001413124.1); c.3088G>A, p.Ala1030Thr (NM_001413129.1); c.3298G>A, p.Ala1100Thr (NM_001413130.1); c.2956G>A, p.Ala986Thr (NM_001413131.1, NM_001413137.1); c.3442G>A, p.Ala1148Thr (NM_001413132.1); c.3205G>A, p.Ala1069Thr (NM_001413135.1, NM_006094.5); and 3 more; short protein forms A1069T, A1114T, A996T, A1506T, A1030T, A1100T, A986T, A1103T.
Identifiers: ClinVar variation 4980427 (VCV004980427.1).

ClinVar aggregate classification (germline): Likely benign (1 of 4 stars; one submission).

Conditions:
DLC1-related disorder. Also called: DLC1-related condition.

gnomAD v4.1: 202 of 1,614,188 alleles (0.013%); highest among the groups gnomAD compares: South Asian, 0.22%; 3 homozygotes.

Submission:

PreventionGenetics, part of Exact Sciences
Classification: Likely benign for DLC1-related condition. Last evaluated: 2025-06-21. Review status: criteria provided, single submitter. Criteria: ACMG Guidelines, 2015. Collection method: clinical testing. Allele origin: germline.
Comment: This variant is classified as likely benign based on ACMG/AMP sequence variant interpretation guidelines (Richards et al. 2015 PMID: 25741868, with internal and published modifications).